The following is an entry in ClinVar:

ClinVar aggregate classification (germline): Uncertain significance (1 of 4 stars; one submission).

gnomAD v4.1: 1 of 1,613,948 alleles (0.000062%); highest among the groups gnomAD compares: Non-Finnish European, 0.000085%; no homozygotes.

Submission:

GeneDx
Classification: Uncertain significance. Last evaluated: 2024-05-10. Review status: criteria provided, single submitter. Criteria: GeneDx Variant Classification Process June 2021. Collection method: clinical testing. Allele origin: germline. Affected: yes.
Comment: Not observed at significant frequency in large population cohorts (gnomAD); In silico analysis supports that this missense variant has a deleterious effect on protein structure/function; Has not been previously published as pathogenic or benign to our knowledge

NM_014991.6(WDFY3):c.6371C>T (p.Thr2124Ile)

Gene: WDFY3 (WD repeat and FYVE domain containing 3; minus strand). Cytogenetic location: 4q21.23.
Variant type: single nucleotide variant.
Coding change: c.6371C>T on transcript NM_014991.6 (MANE Select); coding-DNA position 6371, C replaced by T.
Protein change: p.Thr2124Ile; replaces threonine 2124 with isoleucine.
Molecular consequence: missense variant.
Genome position (GRCh38, 1-based): chr4:84,740,280, G>A on the plus strand (C>T on the coding strand, the complement: WDFY3 is on the minus strand). VCF-style: chr4-84740280-G-A. GRCh37 (hg19) VCF-style: chr4-85661433-G-A.
Other names: short protein forms T2124I.
Identifiers: ClinVar variation 3375819 (VCV003375819.1).